The following is an entry in ClinVar:

ClinVar aggregate classification (germline): Uncertain significance (1 of 4 stars; one submission).

Submission:

Labcorp Genetics (formerly Invitae), Labcorp
Classification: Uncertain significance. Last evaluated: 2022-10-17. Review status: criteria provided, single submitter. Criteria: Invitae Variant Classification Sherloc (09022015). Collection method: clinical testing. Allele origin: unknown.
Comment: In summary, the available evidence is currently insufficient to determine the role of this variant in disease. Therefore, it has been classified as a Variant of Uncertain Significance. This variant has not been reported in the literature in individuals affected with DCDC1-related conditions. This variant is a gross deletion of the genomic region encompassing exon(s) 1-3 of the DCDC1 gene, which includes the initiator codon. This deletion extends beyond the assayed region for this gene and therefore may encompass additional genes. It is expected to result in an absent or disrupted protein product. However, the current clinical and genetic evidence is not sufficient to establish whether loss-of-function variants in DCDC1 cause disease.

NC_000011.9:g.(?_31349644)_(31832375_?)del

Genes: DCDC1 (doublecortin domain containing 1; minus strand), DNAJC24 (DnaJ heat shock protein family (Hsp40) member C24; plus strand), ELP4 (elongator acetyltransferase complex subunit 4; plus strand), IMMP1L (inner mitochondrial membrane peptidase subunit 1; minus strand), PAX6 (paired box 6; minus strand). Cytogenetic location: 11p13.
Variant type: Deletion.
Identifiers: ClinVar variation 3244792 (VCV003244792.1).